The following is an entry in ClinVar:

ClinVar aggregate classification (germline): Uncertain significance (1 of 4 stars; one submission).

Allele frequency attached by ClinVar (database versions not stated): TOPMed below 0.00001.

Submission:

Labcorp Genetics (formerly Invitae), Labcorp
Classification: Uncertain significance. Last evaluated: 2021-08-31. Review status: criteria provided, single submitter. Criteria: Invitae Variant Classification Sherloc (09022015). Collection method: clinical testing. Allele origin: germline.
Comment: This sequence change replaces alanine with threonine at codon 111 of the PPCS protein (p.Ala111Thr). The alanine residue is weakly conserved and there is a small physicochemical difference between alanine and threonine. This variant is not present in population databases (ExAC no frequency). This variant has not been reported in the literature in individuals affected with PPCS-related conditions. Algorithms developed to predict the effect of missense changes on protein structure and function output the following: SIFT: "Tolerated"; PolyPhen-2: "Benign"; Align-GVGD: "Class C0". The threonine amino acid residue is found in multiple mammalian species, which suggests that this missense change does not adversely affect protein function. In summary, the available evidence is currently insufficient to determine the role of this variant in disease. Therefore, it has been classified as a Variant of Uncertain Significance.

NM_024664.4(PPCS):c.331G>A (p.Ala111Thr)

Genes: CCDC30 (coiled-coil domain containing 30; plus strand), PPCS (phosphopantothenoylcysteine synthetase; plus strand). Cytogenetic location: 1p34.2.
Variant type: single nucleotide variant.
Coding change: c.331G>A on transcript NM_024664.4 (MANE Select); coding-DNA position 331, G replaced by A.
Protein change: p.Ala111Thr; replaces alanine 111 with threonine.
Molecular consequence: missense variant. On other transcripts: 5 prime UTR variant (1), intron variant (6).
Genome position (GRCh38, 1-based): chr1:42,456,896, G>A. VCF-style: chr1-42456896-G-A. GRCh37 (hg19) VCF-style: chr1-42922567-G-A.
Other names: c.-362G>A (NM_001287510.2); c.331G>A, p.Ala111Thr (NM_001287511.2); c.-983-351G>A (NM_001355226.2); c.-327-351G>A (NM_001287507.1); c.-11-351G>A (NM_001287506.1); c.-12+172G>A (NM_001287508.2); c.-12+268G>A (NM_001077447.3); c.-12+313G>A (NM_001287509.2); short protein forms A111T.
Identifiers: ClinVar variation 1518021 (VCV001518021.6), dbSNP rs1258443457, ClinGen allele CA339945261.